The following is an entry in ClinVar:

NM_020975.6(RET):c.1264-5C>G

Gene: RET (ret proto-oncogene; plus strand). Cytogenetic location: 10q11.21.
Variant type: single nucleotide variant.
Coding change: c.1264-5C>G on transcript NM_020975.6 (MANE Select); 5 bases into the intron before coding-DNA position 1264, C replaced by G.
Molecular consequence: intron variant.
Genome position (GRCh38, 1-based): chr10:43,111,202, C>G. VCF-style: chr10-43111202-C-G. GRCh37 (hg19) VCF-style: chr10-43606650-C-G.
Other names: c.1264-5C>G (NM_020630.7, NM_001406743.1, NM_001406744.1 and 4 more transcripts); c.868-5C>G (NM_001406772.1, NM_001406769.1); c.826-5C>G (NM_001406773.1, NM_001406771.1); c.626-897C>G (NM_001406782.1, NM_001406780.1, NM_001406779.1 and 3 more transcripts); c.1135-5C>G (NM_001406764.1, NM_001406762.1, NM_001406761.1 and 1 more transcripts); c.739-5C>G (NM_001406774.1); c.497-897C>G (NM_001406786.1, NM_001406783.1); c.976-5C>G (NM_001406770.1, NM_001406766.1, NM_001406767.1); and 5 more.
Identifiers: ClinVar variation 220306 (VCV000220306.12), dbSNP rs9282835, ClinGen allele CA349307.

ClinVar aggregate classification (germline): Conflicting classifications of pathogenicity. Review status: criteria provided, conflicting classifications (1 of 4 stars). 3 submissions from 3 submitters: Uncertain significance (2); Likely benign (1). Last evaluated 2024-09-28.

Conditions:
Hirschsprung disease, susceptibility to, 1 (HSCR1). Also called: RET-Related Hirschsprung Disease. Identifiers: Orphanet 388, MedGen C3888239, MONDO:0007723, OMIM 142623.
Hereditary cancer-predisposing syndrome. Also called: Hereditary neoplastic syndrome; Tumor predisposition; Hereditary Cancer Syndrome; Neoplastic Syndromes, Hereditary. Identifiers: Orphanet 140162, MedGen C0027672, MeSH D009386, MONDO:0015356.
Multiple endocrine neoplasia, type 2 (MEN2). Identifiers: Orphanet 653, MedGen C4048306, MONDO:0019003. Disease mechanism: gain of function.

Submissions (3):

Ambry Genetics
Classification: Uncertain significance for Hereditary cancer-predisposing syndrome. Last evaluated: 2024-09-28. Review status: criteria provided, single submitter. Criteria: Ambry Variant Classification Scheme 2023. Collection method: clinical testing. Allele origin: germline.
Comment: The c.1264-5C>G intronic variant results from a C to G substitution 5 nucleotides upstream from coding exon 7 in the RET gene. This nucleotide position is not well conserved in available vertebrate species. In silico splice site analysis predicts that this alteration may result in the creation or strengthening of a novel splice acceptor site. Based on the available evidence, the clinical significance of this variant remains unclear.

Baylor Genetics
Classification: Uncertain significance for Hirschsprung disease, susceptibility to, 1. Last evaluated: 2023-10-18. Review status: criteria provided, single submitter. Criteria: ACMG Guidelines, 2015. Collection method: clinical testing. Allele origin: unknown.

Labcorp Genetics (formerly Invitae), Labcorp
Classification: Likely benign for Multiple endocrine neoplasia, type 2. Last evaluated: 2022-12-02. Review status: criteria provided, single submitter. Criteria: Invitae Variant Classification Sherloc (09022015). Collection method: clinical testing. Allele origin: germline.